The following is an entry in ClinVar:

ClinVar aggregate classification (germline): Uncertain significance. Review status: criteria provided, multiple submitters, no conflicts (2 of 4 stars). 2 submissions from 2 submitters: Uncertain significance (2). Last evaluated 2017-05-16.

Allele frequency attached by ClinVar (database versions not stated): gnomAD exomes below 0.00001; TOPMed below 0.00001.

Submissions (2):

GeneDx
Classification: Uncertain significance. Last evaluated: 2017-05-16. Review status: criteria provided, single submitter. Criteria: GeneDx Variant Classification (06012015). Collection method: clinical testing. Allele origin: germline. Affected: yes.
Comment: The M142I missense change has not been published as a pathogenic variant, nor has it been reported as a benign polymorphism to our knowledge. M142I is a conservative amino acid substitution as both Methionine and Isoleucine are uncharged, non-polar residues. The variant occurs at a position in the NUBPL protein that is highly conserved across species. Two in silico algorithms predict that M142I is possibly damaging to the NUBPL protein, while another algorithm predicts that it is possibly benign. Therefore, based on the currently available information, it is unclear whether this variant is a pathogenic variant or a rare benign variant.

Breakthrough Genomics
Classification: Uncertain significance. Review status: criteria provided, single submitter. Criteria: ACMG Guidelines, 2015. Collection method: not provided. Allele origin: germline. Inheritance: Autosomal recessive inheritance. Affected: yes.

NM_025152.3(NUBPL):c.426G>A (p.Met142Ile)

Gene: NUBPL (NUBP iron-sulfur cluster assembly factor, mitochondrial; plus strand). Cytogenetic location: 14q12.
Variant type: single nucleotide variant.
Coding change: c.426G>A on transcript NM_025152.3 (MANE Select); coding-DNA position 426, G replaced by A.
Protein change: p.Met142Ile; replaces methionine 142 with isoleucine.
Molecular consequence: missense variant. On other transcripts: non-coding transcript variant (1).
Genome position (GRCh38, 1-based): chr14:31,673,487, G>A. VCF-style: chr14-31673487-G-A. GRCh37 (hg19) VCF-style: chr14-32142693-G-A.
Other names: c.138G>A, p.Met46Ile (NM_001201573.2); short protein forms M142I, M46I.
Identifiers: ClinVar variation 214878 (VCV000214878.5), dbSNP rs863224124, ClinGen allele CA323540.